The following is an entry in ClinVar:

NM_000179.3(MSH6):c.1216T>C (p.Cys406Arg)

Gene: MSH6 (mutS homolog 6; plus strand). Cytogenetic location: 2p16.3.
Variant type: single nucleotide variant.
Coding change: c.1216T>C on transcript NM_000179.3 (MANE Select); coding-DNA position 1216, T replaced by C.
Protein change: p.Cys406Arg; replaces cysteine 406 with arginine.
Molecular consequence: missense variant.
Genome position (GRCh38, 1-based): chr2:47,799,199, T>C. VCF-style: chr2-47799199-T-C. GRCh37 (hg19) VCF-style: chr2-48026338-T-C.
Other names: c.826T>C, p.Cys276Arg (NM_001281492.2); c.310T>C, p.Cys104Arg (NM_001281493.2, NM_001281494.2); short protein forms C406R, C104R, C276R.
Identifiers: ClinVar variation 479940 (VCV000479940.16), dbSNP rs1064794198, ClinGen allele CA346743529.

ClinVar aggregate classification (germline): Uncertain significance. Review status: criteria provided, multiple submitters, no conflicts (2 of 4 stars). 3 submissions from 3 submitters: Uncertain significance (3). Last evaluated 2024-02-22.

Conditions:
Hereditary cancer-predisposing syndrome. Also called: Hereditary Cancer Syndrome; Neoplastic Syndromes, Hereditary; Tumor predisposition; Hereditary neoplastic syndrome. Identifiers: Orphanet 140162, MedGen C0027672, MeSH D009386, MONDO:0015356.
Lynch syndrome. Identifiers: Orphanet 144, MedGen C4552100, MONDO:0005835. Disease mechanism: loss of function.
Hereditary nonpolyposis colorectal neoplasms. Identifiers: MedGen C0009405, MeSH D003123.

Submissions (3):

All of Us Research Program, National Institutes of Health
Classification: Uncertain significance for Lynch syndrome. Last evaluated: 2024-02-22. Review status: criteria provided, single submitter. Criteria: ACMG Guidelines, 2015. Collection method: clinical testing. Allele origin: germline. Inheritance: Autosomal dominant inheritance. Observed: 1 variant allele, 1 heterozygote.
Comment: This missense variant replaces cysteine with arginine at codon 406 of the MSH6 protein. Computational prediction is inconclusive regarding the impact of this variant on protein structure and function (internally defined REVEL score threshold 0.5 < inconclusive < 0.7, PMID: 27666373). To our knowledge, functional studies have not been reported for this variant. This variant has not been reported in individuals affected with MSH6-related disorders in the literature. This variant has not been identified in the general population by the Genome Aggregation Database (gnomAD). The available evidence is insufficient to determine the role of this variant in disease conclusively. Therefore, this variant is classified as a Variant of Uncertain Significance.

This study involves interpretation of variants in research participants for the purpose of population health screening. Participant phenotype was not available at the time of variant classification. Additional details can be found in publication PMID: 35346344, PMCID: PMC8962531

Labcorp Genetics (formerly Invitae), Labcorp
Classification: Uncertain significance for Hereditary nonpolyposis colorectal neoplasms. Last evaluated: 2023-07-07. Review status: criteria provided, single submitter. Criteria: Invitae Variant Classification Sherloc (09022015). Collection method: clinical testing. Allele origin: germline.
Comment: This sequence change replaces cysteine, which is neutral and slightly polar, with arginine, which is basic and polar, at codon 406 of the MSH6 protein (p.Cys406Arg). This variant is not present in population databases (gnomAD no frequency). This variant has not been reported in the literature in individuals affected with MSH6-related conditions. ClinVar contains an entry for this variant (Variation ID: 479940). Advanced modeling of protein sequence and biophysical properties (such as structural, functional, and spatial information, amino acid conservation, physicochemical variation, residue mobility, and thermodynamic stability) performed at Invitae indicates that this missense variant is not expected to disrupt MSH6 protein function. In summary, the available evidence is currently insufficient to determine the role of this variant in disease. Therefore, it has been classified as a Variant of Uncertain Significance.

Ambry Genetics
Classification: Uncertain significance for Hereditary cancer-predisposing syndrome. Last evaluated: 2021-06-24. Review status: criteria provided, single submitter. Criteria: Ambry Variant Classification Scheme 2023. Collection method: clinical testing. Allele origin: germline.
Comment: The p.C406R variant (also known as c.1216T>C), located in coding exon 4 of the MSH6 gene, results from a T to C substitution at nucleotide position 1216. The cysteine at codon 406 is replaced by arginine, an amino acid with highly dissimilar properties. This amino acid position is well conserved in available vertebrate species. In addition, the in silico prediction for this alteration is inconclusive. Since supporting evidence is limited at this time, the clinical significance of this alteration remains unclear.